The following is an entry in ClinVar:

NM_003482.4(KMT2D):c.8059C>T (p.Arg2687Ter)

Gene: KMT2D (lysine methyltransferase 2D; minus strand). Cytogenetic location: 12q13.12.
Variant type: single nucleotide variant.
Coding change: c.8059C>T on transcript NM_003482.4 (MANE Select); coding-DNA position 8059, C replaced by T.
Protein change: p.Arg2687Ter; replaces arginine 2687 with a stop codon.
Molecular consequence: nonsense.
Genome position (GRCh38, 1-based): chr12:49,039,605, G>A on the plus strand (C>T on the coding strand, the complement: KMT2D is on the minus strand). VCF-style: chr12-49039605-G-A. GRCh37 (hg19) VCF-style: chr12-49433388-G-A.
Other names: short protein forms R2687*.
Identifiers: ClinVar variation 449562 (VCV000449562.8), dbSNP rs1555191598, ClinGen allele CA384745548.
Genomic context (GRCh38, chr12:49,039,605, plus strand): 5'-CTGTTTCCTTCTCCTGCCGCAGGGTGTTGCGCTGGATCTGCTGCCGAATCAGCAGCTCTC[G>A]TAGTCGCTGGCGCTATGCAAAAAAAAGAGAAGAGGAATAAGCCCATTCTACTCCAATCAT-3'

ClinVar aggregate classification (germline): Pathogenic/Likely pathogenic. Review status: criteria provided, multiple submitters, no conflicts (2 of 4 stars). 6 submissions from 6 submitters: Pathogenic (5); Likely pathogenic (1). Last evaluated 2025-09-29.

Conditions:
Kabuki syndrome. Also called: NIIKAWA-KUROKI SYNDROME; Kabuki make-up syndrome. Identifiers: Orphanet 2322, MedGen C0796004, MONDO:0016512.
Kabuki syndrome 1 (KABUK1). Also called: KMT2D-Related Kabuki Syndrome. Identifiers: Orphanet 2322, MedGen CN030661, MONDO:0007843, OMIM 147920.

Submissions (6):

Labcorp Genetics (formerly Invitae), Labcorp
Classification: Pathogenic for Kabuki syndrome. Last evaluated: 2025-09-29. Review status: criteria provided, single submitter. Criteria: Invitae Variant Classification Sherloc (09022015). Collection method: clinical testing. Allele origin: germline.
Comment: This sequence change creates a premature translational stop signal (p.Arg2687*) in the KMT2D gene. It is expected to result in an absent or disrupted protein product. Loss-of-function variants in KMT2D are known to be pathogenic (PMID: 22126750). This variant is not present in population databases (gnomAD no frequency). This premature translational stop signal has been observed in individual(s) with Kabuki syndrome (PMID: 22126750). ClinVar contains an entry for this variant (Variation ID: 449562). For these reasons, this variant has been classified as Pathogenic.

Baylor Genetics
Classification: Pathogenic for Kabuki syndrome 1. Last evaluated: 2023-07-11. Review status: criteria provided, single submitter. Criteria: ACMG Guidelines, 2015. Collection method: clinical testing. Allele origin: unknown.

GeneDx
Classification: Pathogenic. Last evaluated: 2019-08-02. Review status: criteria provided, single submitter. Criteria: GeneDx Variant Classification Process June 2021. Collection method: clinical testing. Allele origin: germline. Affected: yes.
Comment: Reported previously, in the heterozygous state, in one individual with Kabuki syndrome (Banka et al., 2012); Nonsense variant predicted to result in protein truncation or nonsense mediated decay in a gene for which loss-of-function is a known mechanism of disease; Not observed in large population cohorts (Lek et al., 2016); This variant is associated with the following publications: (PMID: 22126750)

Center for Human Genetics, Inc
Classification: Pathogenic for Kabuki syndrome 1. Last evaluated: 2016-11-01. Review status: criteria provided, single submitter. Criteria: ACMG Guidelines, 2015. Collection method: clinical testing. Allele origin: germline. Affected: yes.

Institute of Medical Genetics and Genomics, Sir Ganga Ram Hospital
Classification: Pathogenic for Kabuki syndrome 1. Review status: criteria provided, single submitter. Criteria: ACMG Guidelines, 2015. Collection method: clinical testing. Allele origin: de novo. Inheritance: Sporadic. Affected: yes. Observed: 1 heterozygote.
Comment: This stop gain variant is predicted to cause NMD in the gene KMT2D where loss of function is a known mechanism (PVS1_very strong). This variant has not been identified in gnomAD population database (PM2_moderate). However, this has been reported in ClinVar id 449562 thrice (PP5_supporting).

Lifecell International Pvt. Ltd
Classification: Likely pathogenic for Kabuki syndrome 1. Review status: criteria provided, single submitter. Criteria: ACMG Guidelines, 2015. Collection method: clinical testing. Allele origin: germline. Inheritance: Autosomal dominant inheritance. Affected: yes. Observed: 1 heterozygote.
Comment: A Heterozygous Nonsense variant c.8059C>T in Exon 33 of the KMT2D gene that results in the amino acid substitution p.Arg2687* was identified. The observed variant is novel in gnomAD exomes and genomes. The severity of the impact of this variant on the protein is high, based on the effect of the protein and REVEL score . Rare Exome Variant Ensemble Learner (REVEL) is an ensembl method for predicting the pathogenicity of missense variants based on a combination of scores from 13 individual tools: MutPred, FATHMM v2.3, VEST 3.0, PolyPhen-2, SIFT, PROVEAN, MutationAssessor, MutationTaster, LRT, GERP++, SiPhy, phyloP, and phastCons. The REVEL score for an individual missense variant can range from 0 to 1, with higher scores reflecting greater likelihood that the variant is disease-causing. ClinVar has also classified this variant as Pathogenic [Variant ID :449562]. For these reasons this variant has been classified as Likely Pathogenic.

Literature cited by the submitters: PubMed 22126750 (cited by Labcorp Genetics (formerly Invitae), Labcorp).